The following is an entry in ClinVar:

NM_198525.3(KIF7):c.3395A>C (p.Gln1132Pro)

Genes: KIF7 (kinesin family member 7; minus strand), LOC126862216 (BRD4-independent group 4 enhancer GRCh37_chr15:90171995-90173194; plus strand). Cytogenetic location: 15q26.1.
Variant type: single nucleotide variant.
Coding change: c.3395A>C on transcript NM_198525.3 (MANE Select); coding-DNA position 3395, A replaced by C.
Protein change: p.Gln1132Pro; replaces glutamine 1132 with proline.
Molecular consequence: missense variant.
Genome position (GRCh38, 1-based): chr15:89,629,497, T>G on the plus strand (A>C on the coding strand, the complement: KIF7 is on the minus strand). VCF-style: chr15-89629497-T-G. GRCh37 (hg19) VCF-style: chr15-90172728-T-G.
Other names: short protein forms Q1132P.
Identifiers: ClinVar variation 451950 (VCV000451950.2), dbSNP rs1555423120, ClinGen allele CA393755609.

ClinVar aggregate classification (germline): Likely pathogenic (1 of 4 stars; one submission).

Submission:

GeneDx
Classification: Likely pathogenic. Last evaluated: 2017-09-15. Review status: criteria provided, single submitter. Criteria: GeneDx Variant Classification (06012015). Collection method: clinical testing. Allele origin: germline. Affected: yes.
Comment: The Q1132P variant in the KIF7 gene has not been reported previously as a pathogenic variant, nor as a benign variant, to our knowledge. The Q1132P variant is not observed in large population cohorts (Lek et al., 2016; 1000 Genomes Consortium et al., 2015; Exome Variant Server). The Q1132P variant is a non-conservative amino acid substitution, which is likely to impact secondary protein structure as these residues differ in polarity, charge, size and/or other properties. This substitution occurs at a position that is conserved in mammals. In silico analysis predicts this variant is probably damaging to the protein structure/function. We interpret Q1132P as a likely pathogenic variant.